The following is an entry in ClinVar:

NM_001042492.3(NF1):c.7236_7321+332del

Gene: NF1 (neurofibromin 1; plus strand). Cytogenetic location: 17q11.2.
Variant type: Deletion.
Coding change: c.7236_7321+332del on transcript NM_001042492.3 (MANE Select); coding-DNA position 7236 through 332 bases into the intron after coding-DNA position 7321, 418 bases deleted.
Molecular consequence: splice donor variant.
Genome position (GRCh38, 1-based): chr17:31,349,166-31,349,583, 418 bases deleted. GRCh37 (hg19): chr17:29,676,184-29,676,601.
Other names: c.7173_7258+332del (NM_000267.4).
Identifiers: ClinVar variation 2703958 (VCV002703958.3), dbSNP rs2508800997, ClinGen allele CA2697559560.

ClinVar aggregate classification (germline): Pathogenic (1 of 4 stars; one submission).

Conditions:
Neurofibromatosis, type 1 (NF1). Also called: Peripheral type neurofibromatosis; VON RECKLINGHAUSEN DISEASE; NEUROFIBROMATOSIS, TYPE I, SOMATIC; Neurofibromatosis, type I. Identifiers: Orphanet 636, MedGen C0027831, MONDO:0018975, OMIM 162200. Disease mechanism: loss of function.

Submission:

Labcorp Genetics (formerly Invitae), Labcorp
Classification: Pathogenic for Neurofibromatosis, type 1. Last evaluated: 2023-12-18. Review status: criteria provided, single submitter. Criteria: Invitae Variant Classification Sherloc (09022015). Collection method: clinical testing. Allele origin: germline.
Comment: This variant results in the deletion of part of exon 48 (c.7173_7258+332del) of the NF1 gene. It is expected to disrupt RNA splicing. Variants that disrupt the donor or acceptor splice site typically lead to a loss of protein function (PMID: 16199547), and loss-of-function variants in NF1 are known to be pathogenic (PMID: 10712197, 23913538). This variant is not present in population databases (gnomAD no frequency). This variant has not been reported in the literature in individuals affected with NF1-related conditions. This variant disrupts a region of the NF1 protein in which other variant(s) (p.Leu2395Pro) have been determined to be pathogenic (PMID: 31370276). This suggests that this is a clinically significant region of the protein, and that variants that disrupt it are likely to be disease-causing. For these reasons, this variant has been classified as Pathogenic.

Literature cited by the submitters: PubMed 16199547; PubMed 10712197; PubMed 23913538; PubMed 31370276.